The following is an entry in ClinVar:

ClinVar aggregate classification (germline): Uncertain significance. Review status: criteria provided, multiple submitters, no conflicts (2 of 4 stars). 3 submissions from 3 submitters: Uncertain significance (3). Last evaluated 2025-06-23.

Conditions:
Long QT syndrome (LQTS). Identifiers: MedGen C0023976, MeSH D008133, MONDO:0002442. Disease mechanism: loss of function. Inheritance: Various modes of inheritance.
Cardiovascular phenotype. Identifiers: MedGen CN230736.

Allele frequency attached by ClinVar (database versions not stated): gnomAD exomes below 0.00001 and 0.00001; ExAC 0.00001; gnomAD 0.00003 and 0.00004; TOPMed 0.00003.
gnomAD v4.1: 12 of 1,613,920 alleles (0.00074%); highest among the groups gnomAD compares: Admixed American, 0.012%; no homozygotes.

Submissions (3):

Ambry Genetics
Classification: Uncertain significance for Cardiovascular phenotype. Last evaluated: 2025-06-23. Review status: criteria provided, single submitter. Criteria: Ambry Variant Classification Scheme 2023. Collection method: clinical testing. Allele origin: germline.
Comment: The p.G1211D variant (also known as c.3632G>A), located in coding exon 31 of the ANK2 gene, results from a G to A substitution at nucleotide position 3632. The glycine at codon 1211 is replaced by aspartic acid, an amino acid with similar properties. This amino acid position is conserved. In addition, this alteration is predicted to be deleterious by in silico analysis. Based on the available evidence, the clinical significance of this variant remains unclear.

Labcorp Genetics (formerly Invitae), Labcorp
Classification: Uncertain significance for Long QT syndrome. Last evaluated: 2025-04-08. Review status: criteria provided, single submitter. Criteria: Invitae Variant Classification Sherloc (09022015). Collection method: clinical testing. Allele origin: germline.
Comment: This sequence change replaces glycine, which is neutral and non-polar, with aspartic acid, which is acidic and polar, at codon 1211 of the ANK2 protein (p.Gly1211Asp). This variant is present in population databases (rs758014143, gnomAD 0.006%). This variant has not been reported in the literature in individuals affected with ANK2-related conditions. ClinVar contains an entry for this variant (Variation ID: 1002981). Invitae Evidence Modeling of protein sequence and biophysical properties (such as structural, functional, and spatial information, amino acid conservation, physicochemical variation, residue mobility, and thermodynamic stability) indicates that this missense variant is not expected to disrupt ANK2 protein function with a negative predictive value of 80%. In summary, the available evidence is currently insufficient to determine the role of this variant in disease. Therefore, it has been classified as a Variant of Uncertain Significance.

Blueprint Genetics
Classification: Uncertain significance. Last evaluated: 2024-09-10. Review status: criteria provided, single submitter. Criteria: ACMG Guidelines, 2015. Collection method: clinical testing. Allele origin: germline.

NM_001148.6(ANK2):c.3632G>A (p.Gly1211Asp)

Gene: ANK2 (ankyrin 2; plus strand). Cytogenetic location: 4q26.
Variant type: single nucleotide variant.
Coding change: c.3632G>A on transcript NM_001148.6 (MANE Select); coding-DNA position 3632, G replaced by A.
Protein change: p.Gly1211Asp; replaces glycine 1211 with aspartic acid.
Molecular consequence: missense variant.
Genome position (GRCh38, 1-based): chr4:113,336,617, G>A. VCF-style: chr4-113336617-G-A. GRCh37 (hg19) VCF-style: chr4-114257773-G-A.
Other names: c.3605G>A, p.Gly1202Asp (NM_001127493.3); c.3644G>A, p.Gly1215Asp (NM_001354225.2); c.3533G>A, p.Gly1178Asp (NM_001354228.2, NM_001354258.2); c.3611G>A, p.Gly1204Asp (NM_001354230.2); c.3674G>A, p.Gly1225Asp (NM_001354231.2, NM_001354242.2); c.3668G>A, p.Gly1223Asp (NM_001354232.2); c.3629G>A, p.Gly1210Asp (NM_001354235.2, NM_001354246.2, NM_001354265.2); c.3530G>A, p.Gly1177Asp (NM_001354236.2); and 32 more; short protein forms G1050D, G1083D, G1111D, G1116D, G1124D, G1136D, G1140D, G1144D.
Identifiers: ClinVar variation 1002981 (VCV001002981.8), dbSNP rs758014143, ClinGen allele CA3050893.